The following is an entry in ClinVar:

NM_007294.4(BRCA1):c.5496G>A (p.Val1832=)

Gene: BRCA1 (BRCA1 DNA repair associated; minus strand). Cytogenetic location: 17q21.31.
Variant type: single nucleotide variant.
Coding change: c.5496G>A on transcript NM_007294.4 (MANE Select); coding-DNA position 5496, G replaced by A.
Protein change: p.Val1832=; no amino-acid change (valine 1832 retained).
Molecular consequence: synonymous variant. On other transcripts: 3 prime UTR variant (17).
Genome position (GRCh38, 1-based): chr17:43,045,774, C>T on the plus strand (G>A on the coding strand, the complement: BRCA1 is on the minus strand). VCF-style: chr17-43045774-C-T. GRCh37 (hg19) VCF-style: chr17-41197791-C-T.
Other names: c.5283G>A, p.Val1761= (NM_001407571.1, NM_001407894.1, NM_001407895.1 and 12 more transcripts); c.5562G>A, p.Val1854= (NM_001407581.1, NM_001407582.1); c.5559G>A, p.Val1853= (NM_001407583.1, NM_001407585.1, NM_001407587.1 and 1 more transcripts); c.5556G>A, p.Val1852= (NM_001407590.1, NM_001407591.1); c.5496G>A, p.Val1832= (NM_001407593.1, NM_001407594.1, NM_001407596.1 and 5 more transcripts); c.5493G>A, p.Val1831= (NM_001407610.1, NM_001407611.1, NM_001407612.1 and 14 more transcripts); c.5490G>A, p.Val1830= (NM_001407627.1, NM_001407628.1, NM_001407629.1 and 13 more transcripts); c.5487G>A, p.Val1829= (NM_001407644.1, NM_001407645.1); and 74 more.
Identifiers: ClinVar variation 427255 (VCV000427255.7), dbSNP rs1131692070, ClinGen allele CA500142928.

ClinVar aggregate classification (germline): Likely benign. Review status: reviewed by expert panel (3 of 4 stars). 2 submissions from 2 submitters: Likely benign (1). 1 of the submissions does not count toward it. Last evaluated 2017-06-29.

Conditions:
Hereditary breast ovarian cancer syndrome. Also called: Hereditary breast and ovarian cancer syndrome (HBOC); BRCA1- and BRCA2-Associated Hereditary Breast and Ovarian Cancer; Hereditary breast and/or ovarian cancer syndrome; Hereditary breast and ovarian cancer syndrome; Hereditary breast and ovarian cancer; Breast and ovarian cancer. Identifiers: Orphanet 145, MedGen C0677776, MeSH D061325, MONDO:0003582. Disease mechanism: loss of function.
Breast-ovarian cancer, familial, susceptibility to, 1 (BROVCA1). Also called: BRCA1 Hereditary Breast and Ovarian Cancer; OVARIAN CANCER, SUSCEPTIBILITY TO. Identifiers: Orphanet 145, MedGen C2676676, MONDO:0011450, OMIM 604370. Disease mechanism: loss of function.

Submissions (2):

Evidence-based Network for the Interpretation of Germline Mutant Alleles (ENIGMA)
Classification: Likely benign for Breast-ovarian cancer, familial, susceptibility to, 1. Last evaluated: 2017-06-29. Review status: reviewed by expert panel. Criteria: ENIGMA BRCA1/2 Classification Criteria (2017-06-29). Collection method: curation. Allele origin: germline.
Comment: Synonymous substitution variant, with low bioinformatic likelihood to result in a splicing aberration (Splicing prior probability 0.04).

Labcorp Genetics (formerly Invitae), Labcorp
Classification: Likely benign for Hereditary breast ovarian cancer syndrome. Last evaluated: 2024-03-16. Review status: criteria provided, single submitter. Criteria: Invitae Variant Classification Sherloc (09022015). Collection method: clinical testing. Allele origin: germline. Not counted in ClinVar's aggregate classification.